The following is an entry in ClinVar:

NM_033026.6(PCLO):c.12554A>G (p.Tyr4185Cys)

Gene: PCLO (piccolo presynaptic cytomatrix protein; minus strand). Cytogenetic location: 7q21.11.
Variant type: single nucleotide variant.
Coding change: c.12554A>G on transcript NM_033026.6 (MANE Select); coding-DNA position 12554, A replaced by G.
Protein change: p.Tyr4185Cys; replaces tyrosine 4185 with cysteine.
Molecular consequence: missense variant.
Genome position (GRCh38, 1-based): chr7:82,915,432, T>C on the plus strand (A>G on the coding strand, the complement: PCLO is on the minus strand). VCF-style: chr7-82915432-T-C. GRCh37 (hg19) VCF-style: chr7-82544748-T-C.
Other names: c.12554A>G, p.Tyr4185Cys (NM_014510.3); short protein forms Y4185C.
Identifiers: ClinVar variation 1393490 (VCV001393490.6), dbSNP rs1794425744, ClinGen allele CA367887527.

ClinVar aggregate classification (germline): Uncertain significance (1 of 4 stars; one submission).

Allele frequency attached by ClinVar (database versions not stated): TOPMed below 0.00001.

Submission:

Labcorp Genetics (formerly Invitae), Labcorp
Classification: Uncertain significance. Last evaluated: 2024-06-17. Review status: criteria provided, single submitter. Criteria: Invitae Variant Classification Sherloc (09022015). Collection method: clinical testing. Allele origin: germline.
Comment: This sequence change replaces tyrosine, which is neutral and polar, with cysteine, which is neutral and slightly polar, at codon 4185 of the PCLO protein (p.Tyr4185Cys). This variant is not present in population databases (gnomAD no frequency). This variant has not been reported in the literature in individuals affected with PCLO-related conditions. ClinVar contains an entry for this variant (Variation ID: 1393490). Experimental studies and prediction algorithms are not available or were not evaluated, and the functional significance of this variant is currently unknown. In summary, the available evidence is currently insufficient to determine the role of this variant in disease. Therefore, it has been classified as a Variant of Uncertain Significance.